The following is an entry in ClinVar:

ClinVar aggregate classification (germline): Uncertain significance. Review status: criteria provided, multiple submitters, no conflicts (2 of 4 stars). 2 submissions from 2 submitters: Uncertain significance (2). Last evaluated 2025-06-09.

Conditions:
Charcot-Marie-Tooth disease type 2. Also called: Charcot-Marie-Tooth type 2. Identifiers: Orphanet 64746, MedGen C0270914, MONDO:0018993.

Allele frequency attached by ClinVar (database versions not stated): TOPMed 0.00002.
gnomAD v4.1: 21 of 1,614,052 alleles (0.0013%); highest among the groups gnomAD compares: Admixed American, 0.005%; no homozygotes.

Submissions (2):

Labcorp Genetics (formerly Invitae), Labcorp
Classification: Uncertain significance for Charcot-Marie-Tooth disease type 2. Last evaluated: 2025-06-09. Review status: criteria provided, single submitter. Criteria: Invitae Variant Classification Sherloc (09022015). Collection method: clinical testing. Allele origin: germline.
Comment: This sequence change replaces proline, which is neutral and non-polar, with leucine, which is neutral and non-polar, at codon 1169 of the KIF1B protein (p.Pro1169Leu). This variant is present in population databases (rs369255811, gnomAD 0.003%). This variant has not been reported in the literature in individuals affected with KIF1B-related conditions. ClinVar contains an entry for this variant (Variation ID: 835091). An algorithm developed to predict the effect of missense changes on protein structure and function (PolyPhen-2) suggests that this variant is likely to be tolerated. In summary, the available evidence is currently insufficient to determine the role of this variant in disease. Therefore, it has been classified as a Variant of Uncertain Significance.

Ambry Genetics
Classification: Uncertain significance. Last evaluated: 2024-09-23. Review status: criteria provided, single submitter. Criteria: Ambry Variant Classification Scheme 2023. Collection method: clinical testing. Allele origin: germline.
Comment: The p.P1169L variant (also known as c.3506C>T), located in coding exon 31 of the KIF1B gene, results from a C to T substitution at nucleotide position 3506. The proline at codon 1169 is replaced by leucine, an amino acid with similar properties. This amino acid position is highly conserved in available vertebrate species. In addition, the in silico prediction for this alteration is inconclusive. The evidence for this gene-disease relationship is limited; therefore, the clinical significance of this alteration is unclear.

NM_001365951.3(KIF1B):c.3644C>T (p.Pro1215Leu)

Gene: KIF1B (kinesin family member 1B; plus strand). Cytogenetic location: 1p36.22.
Variant type: single nucleotide variant.
Coding change: c.3644C>T on transcript NM_001365951.3 (MANE Select); coding-DNA position 3644, C replaced by T.
Protein change: p.Pro1215Leu; replaces proline 1215 with leucine.
Molecular consequence: missense variant.
Genome position (GRCh38, 1-based): chr1:10,343,243, C>T. VCF-style: chr1-10343243-C-T. GRCh37 (hg19) VCF-style: chr1-10403301-C-T.
Other names: c.3644C>T, p.Pro1215Leu (NM_001365952.1); c.3506C>T, p.Pro1169Leu (NM_015074.3); short protein forms P1215L, P1169L.
Identifiers: ClinVar variation 835091 (VCV000835091.13), dbSNP rs369255811, ClinGen allele CA581835.